The following is an entry in ClinVar:

ClinVar aggregate classification (germline): Uncertain significance (1 of 4 stars; one submission).

gnomAD v4.1: 7 of 1,613,942 alleles (0.00043%); highest among the groups gnomAD compares: Non-Finnish European, 0.00059%; no homozygotes.

Submission:

Mayo Clinic Laboratories, Mayo Clinic
Classification: Uncertain significance. Last evaluated: 2023-08-21. Review status: criteria provided, single submitter. Criteria: ACMG Guidelines, 2015. Collection method: clinical testing. Allele origin: germline. Observed: 1 variant allele.
Comment: BP4, PM2_moderate

NM_012233.3(RAB3GAP1):c.1766T>G (p.Leu589Arg)

Gene: RAB3GAP1 (RAB3 GTPase activating protein catalytic subunit 1; plus strand). Cytogenetic location: 2q21.3.
Variant type: single nucleotide variant.
Coding change: c.1766T>G on transcript NM_012233.3 (MANE Select); coding-DNA position 1766, T replaced by G.
Protein change: p.Leu589Arg; replaces leucine 589 with arginine.
Molecular consequence: missense variant.
Genome position (GRCh38, 1-based): chr2:135,135,775, T>G. VCF-style: chr2-135135775-T-G. GRCh37 (hg19) VCF-style: chr2-135893345-T-G.
Other names: p.Leu589Arg; c.1766T>G, p.Leu589Arg (NM_001172435.2); short protein forms L589R.
Identifiers: ClinVar variation 3380837 (VCV003380837.1).